The following is an entry in ClinVar:

ClinVar aggregate classification (germline): Uncertain significance (1 of 4 stars; one submission).

Allele frequency attached by ClinVar (database versions not stated): gnomAD exomes below 0.00001.
gnomAD v4.1: 2 of 1,613,710 alleles (0.00012%); highest among the groups gnomAD compares: Non-Finnish European, 0.00017%; no homozygotes.

Submission:

Labcorp Genetics (formerly Invitae), Labcorp
Classification: Uncertain significance. Last evaluated: 2021-02-14. Review status: criteria provided, single submitter. Criteria: Invitae Variant Classification Sherloc (09022015). Collection method: clinical testing. Allele origin: germline.
Comment: This variant is not present in population databases (ExAC no frequency). This sequence change replaces serine with glycine at codon 85 of the FAT4 protein (p.Ser85Gly). The serine residue is moderately conserved and there is a small physicochemical difference between serine and glycine. This variant has not been reported in the literature in individuals with FAT4-related conditions. Advanced modeling of protein sequence and biophysical properties (such as structural, functional, and spatial information, amino acid conservation, physicochemical variation, residue mobility, and thermodynamic stability) performed at Invitae indicates that this missense variant is not expected to disrupt FAT4 protein function. In summary, the available evidence is currently insufficient to determine the role of this variant in disease. Therefore, it has been classified as a Variant of Uncertain Significance.

NM_001291303.3(FAT4):c.253A>G (p.Ser85Gly)

Gene: FAT4 (FAT atypical cadherin 4; plus strand). Cytogenetic location: 4q28.1.
Variant type: single nucleotide variant.
Coding change: c.253A>G on transcript NM_001291303.3 (MANE Select); coding-DNA position 253, A replaced by G.
Protein change: p.Ser85Gly; replaces serine 85 with glycine.
Molecular consequence: missense variant.
Genome position (GRCh38, 1-based): chr4:125,316,664, A>G. VCF-style: chr4-125316664-A-G. GRCh37 (hg19) VCF-style: chr4-126237819-A-G.
Other names: c.253A>G, p.Ser85Gly (NM_001291285.3, NM_024582.6); short protein forms S85G.
Identifiers: ClinVar variation 1508538 (VCV001508538.8), dbSNP rs1277663930, ClinGen allele CA358115419.